The following is an entry in ClinVar:

ClinVar aggregate classification (germline): Uncertain significance. Review status: criteria provided, multiple submitters, no conflicts (2 of 4 stars). 6 submissions from 4 submitters: Uncertain significance (5). 1 of the submissions does not count toward it. Last evaluated 2023-04-11.

Conditions:
Leber congenital amaurosis 8 (LCA8). Identifiers: Orphanet 65, MedGen C3151202, MONDO:0013453, OMIM 613835.
Retinitis pigmentosa 12 (RP12). Also called: RP WITH OR WITHOUT PPRPE; RP WITH OR WITHOUT PRESERVED PARAARTERIOLE RETINAL PIGMENT EPITHELIUM; RETINITIS PIGMENTOSA WITH OR WITHOUT PARAARTERIOLAR PRESERVATION OF RETINAL PIGMENT EPITHELIUM. Identifiers: Orphanet 791, MedGen C1838647, MONDO:0010818, OMIM 600105.
Leber congenital amaurosis (LCA). Also called: Leber's amaurosis. Identifiers: Orphanet 65, MedGen C0339527, MeSH D057130, MONDO:0018998.
Pigmented paravenous retinochoroidal atrophy. Identifiers: Orphanet 251295, MedGen C1868310, MONDO:0008246, OMIM 172870.

Allele frequency attached by ClinVar (database versions not stated): TOPMed 0.00001.

Submissions (6):

Genome-Nilou Lab
Classification: Uncertain significance for Leber congenital amaurosis 8. Last evaluated: 2023-04-11. Review status: criteria provided, single submitter. Criteria: ACMG Guidelines, 2015. Collection method: clinical testing. Allele origin: germline. Affected: no.

Genome-Nilou Lab
Classification: Uncertain significance for Pigmented paravenous retinochoroidal atrophy. Last evaluated: 2023-04-11. Review status: criteria provided, single submitter. Criteria: ACMG Guidelines, 2015. Collection method: clinical testing. Allele origin: germline. Affected: no.

Genome-Nilou Lab
Classification: Uncertain significance for Retinitis pigmentosa 12. Last evaluated: 2023-04-11. Review status: criteria provided, single submitter. Criteria: ACMG Guidelines, 2015. Collection method: clinical testing. Allele origin: germline. Affected: no.

Labcorp Genetics (formerly Invitae), Labcorp
Classification: Uncertain significance for Leber congenital amaurosis 8; Retinitis pigmentosa 12. Last evaluated: 2022-05-16. Review status: criteria provided, single submitter. Criteria: Invitae Variant Classification Sherloc (09022015). Collection method: clinical testing. Allele origin: germline.
Comment: This sequence change replaces threonine, which is neutral and polar, with asparagine, which is neutral and polar, at codon 1068 of the CRB1 protein (p.Thr1068Asn). This variant is not present in population databases (gnomAD no frequency). This variant has not been reported in the literature in individuals affected with CRB1-related conditions. ClinVar contains an entry for this variant (Variation ID: 1046607). Advanced modeling of protein sequence and biophysical properties (such as structural, functional, and spatial information, amino acid conservation, physicochemical variation, residue mobility, and thermodynamic stability) performed at Invitae indicates that this missense variant is not expected to disrupt CRB1 protein function. In summary, the available evidence is currently insufficient to determine the role of this variant in disease. Therefore, it has been classified as a Variant of Uncertain Significance.

Ocular Genomics Institute, Massachusetts Eye and Ear
Classification: Uncertain significance for Retinitis pigmentosa 12. Last evaluated: 2021-04-08. Review status: criteria provided, single submitter. Criteria: ACMG Guidelines, 2015. Collection method: research. Allele origin: germline. Affected: yes.
Comment: Through a review of available evidence we were able to apply the following criteria: PM2. Based on this evidence we have classified this variant as Variant of Uncertain Significance.

Natera, Inc.
Classification: Uncertain significance for Leber congenital amaurosis. Last evaluated: 2021-09-14. Review status: no assertion criteria provided. Collection method: clinical testing. Allele origin: germline. Not counted in ClinVar's aggregate classification.

NM_201253.3(CRB1):c.3203C>A (p.Thr1068Asn)

Gene: CRB1 (crumbs cell polarity complex component 1; plus strand). Cytogenetic location: 1q31.3.
Variant type: single nucleotide variant.
Coding change: c.3203C>A on transcript NM_201253.3 (MANE Select); coding-DNA position 3203, C replaced by A.
Protein change: p.Thr1068Asn; replaces threonine 1068 with asparagine.
Molecular consequence: missense variant. On other transcripts: non-coding transcript variant (2), intron variant (1).
Genome position (GRCh38, 1-based): chr1:197,435,066, C>A. VCF-style: chr1-197435066-C-A. GRCh37 (hg19) VCF-style: chr1-197404196-C-A.
Other names: c.2867C>A, p.Thr956Asn (NM_001193640.2); c.3131C>A, p.Thr1044Asn (NM_001257965.2); c.2129-534C>A (NM_001257966.2); short protein forms T1044N, T1068N, T956N.
Identifiers: ClinVar variation 1046607 (VCV001046607.5), dbSNP rs1452661857, ClinGen allele CA344046577.
Genomic context (GRCh38, chr1:197,435,066, plus strand): 5'-CCTCCAGGTGGCAAATGGAAGTGGACAACGAAACACCTTTTGTGACCAGCACAATTGCTA[C>A]TGGAAGCCTCAACTTTTTGAAGGATAATACAGATATTTATGTGGGAGACAGAGCTATTGA-3'
Protein context (NP_957705.1, residues 1058-1078): ETPFVTSTIA[Thr1068Asn]GSLNFLKDNT